The following is an entry in ClinVar:

ClinVar aggregate classification (germline): Uncertain significance. Review status: criteria provided, multiple submitters, no conflicts (2 of 4 stars). 2 submissions from 2 submitters: Uncertain significance (2). Last evaluated 2024-04-24.

Conditions:
Inborn genetic diseases. Identifiers: MedGen C0950123, MeSH D030342.
Congenital myasthenic syndrome 8. Also called: Myasthenic syndrome, congenital, 8, with pre- and postsynaptic defects; MYASTHENIC SYNDROME, CONGENITAL, DUE TO AGRIN DEFICIENCY. Identifiers: Orphanet 590, MedGen C3808739, MONDO:0014052, OMIM 615120.

Allele frequency attached by ClinVar (database versions not stated): gnomAD exomes 0.00001 and 0.00003; TOPMed 0.00001; ExAC 0.00003.
gnomAD v4.1: 21 of 1,613,648 alleles (0.0013%); highest among the groups gnomAD compares: Middle Eastern, 0.016%; no homozygotes.

Submissions (2):

Ambry Genetics
Classification: Uncertain significance for Inborn genetic diseases. Last evaluated: 2024-04-24. Review status: criteria provided, single submitter. Criteria: Ambry Variant Classification Scheme 2023. Collection method: clinical testing. Allele origin: germline.

Labcorp Genetics (formerly Invitae), Labcorp
Classification: Uncertain significance for Congenital myasthenic syndrome 8. Last evaluated: 2022-02-04. Review status: criteria provided, single submitter. Criteria: Invitae Variant Classification Sherloc (09022015). Collection method: clinical testing. Allele origin: germline.
Comment: This variant is present in population databases (rs751407693, gnomAD 0.006%). In summary, the available evidence is currently insufficient to determine the role of this variant in disease. Therefore, it has been classified as a Variant of Uncertain Significance. Algorithms developed to predict the effect of missense changes on protein structure and function are either unavailable or do not agree on the potential impact of this missense change (SIFT: "Deleterious"; PolyPhen-2: "Possibly Damaging"; Align-GVGD: "Class C0"). ClinVar contains an entry for this variant (Variation ID: 567364). This variant has not been reported in the literature in individuals affected with AGRN-related conditions. This sequence change replaces arginine, which is basic and polar, with cysteine, which is neutral and slightly polar, at codon 956 of the AGRN protein (p.Arg956Cys).

NM_198576.4(AGRN):c.2866C>T (p.Arg956Cys)

Gene: AGRN (agrin; plus strand). Cytogenetic location: 1p36.33.
Variant type: single nucleotide variant.
Coding change: c.2866C>T on transcript NM_198576.4 (MANE Select); coding-DNA position 2866, C replaced by T.
Protein change: p.Arg956Cys; replaces arginine 956 with cysteine.
Molecular consequence: missense variant.
Genome position (GRCh38, 1-based): chr1:1,046,220, C>T. VCF-style: chr1-1046220-C-T. GRCh37 (hg19) VCF-style: chr1-981600-C-T.
Other names: c.2866C>T, p.Arg956Cys (NM_001305275.2); c.2551C>T, p.Arg851Cys (NM_001364727.2); short protein forms R956C, R851C.
Identifiers: ClinVar variation 567364 (VCV000567364.4), dbSNP rs751407693, ClinGen allele CA508842.